The following is an entry in ClinVar:

NM_005228.5(EGFR):c.661G>T (p.Gly221Trp)

Gene: EGFR (epidermal growth factor receptor; plus strand). Cytogenetic location: 7p11.2.
Variant type: single nucleotide variant.
Coding change: c.661G>T on transcript NM_005228.5 (MANE Select); coding-DNA position 661, G replaced by T.
Protein change: p.Gly221Trp; replaces glycine 221 with tryptophan.
Molecular consequence: missense variant. On other transcripts: intron variant (1).
Genome position (GRCh38, 1-based): chr7:55,152,578, G>T. VCF-style: chr7-55152578-G-T. GRCh37 (hg19) VCF-style: chr7-55220271-G-T.
Other names: c.526G>T, p.Gly176Trp (NM_001346897.2, NM_001346899.2); c.661G>T, p.Gly221Trp (NM_001346898.2, NM_201282.2, NM_201283.2 and 1 more transcripts); c.502G>T, p.Gly168Trp (NM_001346900.2); c.89-3252G>T (NM_001346941.2); short protein forms G168W, G176W, G221W.
Identifiers: ClinVar variation 2108960 (VCV002108960.4), dbSNP rs776886714, ClinGen allele CA4265313.

ClinVar aggregate classification (germline): Uncertain significance (1 of 4 stars; one submission).

Conditions:
EGFR-related lung cancer (EGFR). Identifiers: MedGen CN130014.

gnomAD v4.1: 15 of 1,613,830 alleles (0.00093%); highest among the groups gnomAD compares: Non-Finnish European, 0.0013%; no homozygotes.

Submission:

Labcorp Genetics (formerly Invitae), Labcorp
Classification: Uncertain significance for EGFR-related lung cancer. Last evaluated: 2022-03-11. Review status: criteria provided, single submitter. Criteria: Invitae Variant Classification Sherloc (09022015). Collection method: clinical testing. Allele origin: germline.
Comment: Algorithms developed to predict the effect of missense changes on protein structure and function are either unavailable or do not agree on the potential impact of this missense change (SIFT: "Deleterious"; PolyPhen-2: "Probably Damaging"; Align-GVGD: "Class C0"). In summary, the available evidence is currently insufficient to determine the role of this variant in disease. Therefore, it has been classified as a Variant of Uncertain Significance. This sequence change replaces glycine, which is neutral and non-polar, with tryptophan, which is neutral and slightly polar, at codon 221 of the EGFR protein (p.Gly221Trp). This variant is present in population databases (rs776886714, gnomAD 0.0009%). This variant has not been reported in the literature in individuals affected with EGFR-related conditions.